The following is an entry in ClinVar:

ClinVar aggregate classification (germline): Benign. Review status: criteria provided, single submitter (1 of 4 stars). 2 submissions from 2 submitters: Benign (1). 1 of the submissions does not count toward it. Last evaluated 2026-08-01.

Conditions:
KCNQ1-related disorder. Also called: KCNQ1-related disorders; KCNQ1-related condition. Identifiers: MedGen CN239322.

Submissions (2):

CeGaT Center for Human Genetics Tuebingen
Classification: Benign. Last evaluated: 2026-08-01. Review status: criteria provided, single submitter. Criteria: CeGaT Center For Human Genetics Tuebingen Variant Classification Criteria Version 2. Collection method: clinical testing. Allele origin: germline. Affected: yes. Observed: 12 variant alleles.
Comment: KCNQ1OT1: BS1, BS2

PreventionGenetics, part of Exact Sciences
Classification: Likely benign for KCNQ1-related condition. Last evaluated: 2022-08-11. Review status: no assertion criteria provided. Collection method: clinical testing. Allele origin: germline. Not counted in ClinVar's aggregate classification.
Comment: This variant is classified as likely benign based on ACMG/AMP sequence variant interpretation guidelines (Richards et al. 2015 PMID: 25741868, with internal and published modifications).

NM_000218.3(KCNQ1):c.1394-9784dup

Genes: KCNQ1 (potassium voltage-gated channel subfamily Q member 1; plus strand), KCNQ1OT1 (KCNQ1 opposite strand/antisense transcript 1; minus strand). Cytogenetic location: 11p15.5.
Variant type: Duplication.
Coding change: c.1394-9784dup on transcript NM_000218.3 (MANE Select); 9784 bases into the intron before coding-DNA position 1394, one base duplicated (C; older notation c.1394-9784dupC).
Molecular consequence: intron variant. On other transcripts: non-coding transcript variant (1).
Genome position (GRCh38, 1-based): chr11:2,652,177, C duplicated; the last of 4 consecutive C bases (chr11:2,652,174-2,652,177); duplicating any one gives the same sequence. VCF-style (leftmost placement, unchanged base first): chr11-2652173-G-GC. GRCh37 (hg19) VCF-style: chr11-2673403-G-GC.
Other names: c.1124-9784dup (NM_001406837.1); c.1298-9784dup (NM_001406836.1); c.854-9784dup (NM_001406838.1); c.1013-9784dup (NM_181798.2); c.1394-9784dupC (NM_000218.2).
Identifiers: ClinVar variation 2641436 (VCV002641436.25), dbSNP rs570329370, ClinGen allele CA216163895.